The following is an entry in ClinVar:

ClinVar aggregate classification (germline): Uncertain significance (1 of 4 stars; one submission).

Submission:

GeneDx
Classification: Uncertain significance. Last evaluated: 2025-01-15. Review status: criteria provided, single submitter. Criteria: GeneDx Variant Classification Process June 2021. Collection method: clinical testing. Allele origin: germline. Affected: yes.
Comment: Not observed at significant frequency in large population cohorts (gnomAD); In silico analysis supports that this missense variant has a deleterious effect on protein structure/function; Has not been previously published as pathogenic or benign to our knowledge

NM_001077350.3(NPRL3):c.1157A>C (p.Gln386Pro)

Genes: HBA-LCR (alpha-globin locus control region; plus strand), NPRL3 (NPR3 like, GATOR1 complex subunit; minus strand). Cytogenetic location: 16p13.3.
Variant type: single nucleotide variant.
Coding change: c.1157A>C on transcript NM_001077350.3 (MANE Select); coding-DNA position 1157, A replaced by C.
Protein change: p.Gln386Pro; replaces glutamine 386 with proline.
Molecular consequence: missense variant.
Genome position (GRCh38, 1-based): chr16:92,600, T>G on the plus strand (A>C on the coding strand, the complement: NPRL3 is on the minus strand). VCF-style: chr16-92600-T-G. GRCh37 (hg19) VCF-style: chr16-142598-T-G.
Other names: c.620A>C, p.Gln207Pro (NM_001039476.3); c.923A>C, p.Gln308Pro (NM_001243247.2); c.1082A>C, p.Gln361Pro (NM_001243248.2, NM_001243249.2); short protein forms Q207P, Q308P, Q361P, Q386P.
Identifiers: ClinVar variation 4070797 (VCV004070797.1).